The following is an entry in ClinVar:

NM_005629.4(SLC6A8):c.1556_1557insTTTC (p.Met519fs)

Gene: SLC6A8 (solute carrier family 6 member 8; plus strand). Cytogenetic location: Xq28.
Variant type: Insertion.
Coding change: c.1556_1557insTTTC on transcript NM_005629.4 (MANE Select); coding-DNA positions 1556 to 1557, TTTC inserted.
Protein change: p.Met519fs; shifts the reading frame from methionine 519.
Molecular consequence: frameshift variant.
Genome position: GRCh38 VCF-style: chrX-153694593-T-TTTTC. GRCh37 (hg19) VCF-style: chrX-152960048-T-TTTTC.
Other names: NM_001142805.2:c.1526_1527insTTTC; c.1526_1527insTTTC, p.Met509fs (NM_001142805.2); c.1211_1212insTTTC, p.Met404fs (NM_001142806.1); short protein forms M404fs, M509fs, M519fs.
Identifiers: ClinVar variation 2583095 (VCV002583095.1), dbSNP rs2522168753, ClinGen allele CA2580610965.

ClinVar aggregate classification (germline): Pathogenic (3 of 4 stars; one submission).

Conditions:
Creatine transporter deficiency (CCDS1). Also called: CEREBRAL CREATINE DEFICIENCY SYNDROME 1; Creatine Transporter (CRTR) Deficiency; Mental retardation , X-linked with seizures, short stature and midface hypoplasia; Mental retardation , X-linked, with creatine transport deficiency; X-linked creatine transporter deficiency; X-linked creatine deficiency syndrome. Identifiers: Orphanet 52503, MedGen C1845862, MONDO:0010305, OMIM 300352.

Submission:

ClinGen Cerebral Creatine Deficiency Syndromes Variant Curation Expert Panel, ClinGen
Classification: Pathogenic for Creatine transporter deficiency. Last evaluated: 2023-08-10. Review status: reviewed by expert panel. Criteria: ClinGen_CCDS_ACMG_Specifications_SLC6A8_v1.1. Collection method: curation. Allele origin: germline. Inheritance: X-linked inheritance.
Comment: The NM_005629.4:c.1556_1557insTTTC (p.Met519IfsTer41) variant in SLC6A8 is a frameshift variant predicted to cause a premature stop codon in exon 12/13 leading to nonsense mediated decay in a gene in which loss-of-function is an established disease mechanism (PVS1). The variant is absent in gnomAD v2.1.1. (PM2_Supporting). There is no ClinVar entry for this variant. In summary, this variant meets criteria to be classified as pathogenic for creatine transporter deficiency. SLC6A8-specific criteria applied, as specified by the ClinGen CCDS VCEP (Specifications Version 1.1.0): PVS1, PM2_Supporting, PP4. (Classification approved by the ClinGen CCDS VCEP: August 10, 2023)